The following is an entry in ClinVar:

NM_000494.4(COL17A1):c.1303_1329del (p.Ser435_Gly443del)

Gene: COL17A1 (collagen type XVII alpha 1 chain; minus strand). Cytogenetic location: 10q25.1.
Variant type: Deletion.
Coding change: c.1303_1329del on transcript NM_000494.4 (MANE Select); coding-DNA positions 1303 to 1329, 27 bases deleted (AGTGGAGGAGGTGGCGGTGTTGGTGGC).
Protein change: p.Ser435_Gly443del.
Molecular consequence: inframe deletion.
Genome position (GRCh38, 1-based): chr10:104,057,111-104,057,137, GCCACCAACACCGCCACCTCCTCCACT deleted on the plus strand (AGTGGAGGAGGTGGCGGTGTTGGTGGC on the coding strand, the reverse complement: COL17A1 is on the minus strand); deleting any 27 consecutive bases within chr10:104,057,111-104,057,144 gives the same sequence; the c. name uses the placement nearest the transcript's 3' end. VCF-style (leftmost placement, unchanged base first): chr10-104057110-CGCCACCAACACCGCCACCTCCTCCACT-C. GRCh37 (hg19) VCF-style: chr10-105816868-CGCCACCAACACCGCCACCTCCTCCACT-C.
Other names: c.1303_1329del27 (NM_000494.3).
Identifiers: ClinVar variation 780889 (VCV000780889.11), dbSNP rs566545663, ClinGen allele CA5679064.

ClinVar aggregate classification (germline): Benign. Review status: criteria provided, single submitter (1 of 4 stars). 2 submissions from 2 submitters: Benign (1). 1 of the submissions does not count toward it. Last evaluated 2026-01-28.

Conditions:
COL17A1-related disorder. Also called: COL17A1-related condition.

Submissions (2):

Labcorp Genetics (formerly Invitae), Labcorp
Classification: Benign. Last evaluated: 2026-01-28. Review status: criteria provided, single submitter. Criteria: Invitae Variant Classification Sherloc (09022015). Collection method: clinical testing. Allele origin: germline.

PreventionGenetics, part of Exact Sciences
Classification: Likely benign for COL17A1-related condition. Last evaluated: 2019-04-24. Review status: no assertion criteria provided. Collection method: clinical testing. Allele origin: germline. Not counted in ClinVar's aggregate classification.
Comment: This variant is classified as likely benign based on ACMG/AMP sequence variant interpretation guidelines (Richards et al. 2015 PMID: 25741868, with internal and published modifications).